The following is an entry in ClinVar:

NM_000136.3(FANCC):c.29G>A (p.Cys10Tyr)

Gene: FANCC (FA complementation group C; minus strand). Cytogenetic location: 9q22.32.
Variant type: single nucleotide variant.
Coding change: c.29G>A on transcript NM_000136.3 (MANE Select); coding-DNA position 29, G replaced by A.
Protein change: p.Cys10Tyr; replaces cysteine 10 with tyrosine.
Molecular consequence: missense variant.
Genome position (GRCh38, 1-based): chr9:95,249,263, C>T on the plus strand (G>A on the coding strand, the complement: FANCC is on the minus strand). VCF-style: chr9-95249263-C-T. GRCh37 (hg19) VCF-style: chr9-98011545-C-T.
Other names: p.C10Y:TGT>TAT; c.29G>A, p.Cys10Tyr (NM_001243743.2, NM_001243744.2); short protein forms C10Y.
Identifiers: ClinVar variation 127538 (VCV000127538.34), dbSNP rs143152201, ClinGen allele CA287205.
Genomic context (GRCh38, chr9:95,249,263, plus strand): 5'-GTTTCCAAAGTGGAAGCCTGATCCCATACAGAAAGCTTCTGCATCCAAAACTGATAATCA[C>T]AAGAAAGATCTACTGAATCTTGAGCCATCTTGGAAAAAGCGAAAAGGTGATGTCCCTTCA-3'
Protein context (NP_000127.2, residues 1-20): MAQDSVDLS[Cys10Tyr]DYQFWMQKLS

ClinVar aggregate classification (germline): Conflicting classifications of pathogenicity. Review status: criteria provided, conflicting classifications (1 of 4 stars). 12 submissions from 12 submitters: Uncertain significance (7); Likely benign (4). 1 of the submissions does not count toward it. Last evaluated 2025-06-10.

Conditions:
Hereditary cancer. Identifiers: MedGen C1333600.
Hereditary cancer-predisposing syndrome. Also called: Tumor predisposition; Hereditary neoplastic syndrome; Neoplastic Syndromes, Hereditary; Hereditary Cancer Syndrome. Identifiers: Orphanet 140162, MedGen C0027672, MeSH D009386, MONDO:0015356.
Fanconi anemia (FA). Also called: Fanconi's anemia. Identifiers: Orphanet 84, MedGen C0015625, MeSH D005199, MONDO:0019391.
Fanconi anemia complementation group C (FANCC). Also called: Fanconi anemia, group C; FANCC-Related Fanconi Anemia; FANCONI PANCYTOPENIA, TYPE 3; FACC. Identifiers: Orphanet 84, MedGen C3468041, MONDO:0009213, OMIM 227645.
Malignant tumor of breast. Also called: Malignant breast neoplasm; Cancer breast. Identifiers: MedGen C0006142, MONDO:0007254. Disease mechanism: loss of function.

Allele frequency attached by ClinVar (database versions not stated): gnomAD 0.00019 and 0.00021; TOPMed 0.00019; 1000 Genomes Project 0.00020; ESP Exome Variant Server 0.00023; 1000 Genomes Project 30x 0.00031; gnomAD exomes 0.00041 and 0.00050; ExAC 0.00058.
gnomAD v4.1: 623 of 1,614,086 alleles (0.039%); highest among the groups gnomAD compares: South Asian, 0.16%; 3 homozygotes.

Submissions (12):

Quest Diagnostics Nichols Institute San Juan Capistrano
Classification: Likely benign. Last evaluated: 2025-06-10. Review status: criteria provided, single submitter. Criteria: Quest Diagnostics criteria. Collection method: clinical testing. Allele origin: unknown.

Labcorp Genetics (formerly Invitae), Labcorp
Classification: Uncertain significance for Fanconi anemia. Last evaluated: 2025-01-19. Review status: criteria provided, single submitter. Criteria: Invitae Variant Classification Sherloc (09022015). Collection method: clinical testing. Allele origin: germline.
Comment: This sequence change replaces cysteine, which is neutral and slightly polar, with tyrosine, which is neutral and polar, at codon 10 of the FANCC protein (p.Cys10Tyr). This variant is present in population databases (rs143152201, gnomAD 0.1%), and has an allele count higher than expected for a pathogenic variant. This missense change has been observed in individual(s) with breast cancer (PMID: 26689913). ClinVar contains an entry for this variant (Variation ID: 127538). Invitae Evidence Modeling of protein sequence and biophysical properties (such as structural, functional, and spatial information, amino acid conservation, physicochemical variation, residue mobility, and thermodynamic stability) indicates that this missense variant is not expected to disrupt FANCC protein function with a negative predictive value of 80%. In summary, the available evidence is currently insufficient to determine the role of this variant in disease. Therefore, it has been classified as a Variant of Uncertain Significance.

Blueprint Genetics
Classification: Uncertain significance. Last evaluated: 2024-11-26. Review status: criteria provided, single submitter. Criteria: ACMG Guidelines, 2015. Collection method: clinical testing. Allele origin: germline.

Mendelics
Classification: Likely benign for Hereditary cancer. Last evaluated: 2024-09-11. Review status: criteria provided, single submitter. Criteria: ACMG Guidelines, 2015. Collection method: clinical testing. Allele origin: unknown.
Comment: This variant is considered likely benign or benign based on one or more of the following: it is predicted to be benign by multiple in silico algorithms, and/or has population frequency not consistent with disease, and/or has normal protein function, and/or has lack of segregation with disease, and/or has been detected in co-occurrence with known pathogenic variant, and/or has lack of disease association in case-control studies, and/or is located in a region inconsistent with a known cause of pathogenicity.

Women's Health and Genetics/Laboratory Corporation of America, LabCorp
Classification: Uncertain significance. Last evaluated: 2023-11-27. Review status: criteria provided, single submitter. Criteria: LabCorp Variant Classification Summary - May 2015. Collection method: clinical testing. Allele origin: germline.
Comment: Variant summary: FANCC c.29G>A (p.Cys10Tyr) results in a non-conservative amino acid change in the encoded protein sequence. Four of five in-silico tools predict a benign effect of the variant on protein function. The variant allele was found at a frequency of 0.0005 in 250830 control chromosomes, predominantly at a frequency of 0.0015 within the South Asian subpopulation in the gnomAD database. This frequency is not significantly higher than estimated for a pathogenic variant in FANCC causing Fanconi Anemia Group C (0.0005 vs 0.0018), allowing no conclusion about variant significance. c.29G>A has been reported in the literature in individuals affected with pancreatic cancer, prostate cancer and other GI cancer, without strong evidence for causality (example, Bhai_2021, Shindo_2017) . In a large study evaluating breast cancer cases and controls in the Breast Cancer Association Consortium (BCAC), the variant was reported in 53/60466 cases and 46/53461 controls (Dorling_2021 through LOVD).These report(s) do not provide unequivocal conclusions about association of the variant with Fanconi Anemia Group C. To our knowledge, no experimental evidence demonstrating an impact on protein function has been reported. The following publications have been ascertained in the context of this evaluation (PMID: 34326862, 28767289, 33471991). Eight submitters have cited clinical-significance assessments for this variant to ClinVar after 2014. Multiple submitters reported the variant with conflicting assessments (VUS=6, Likely benign=2). Based on the evidence outlined above, the variant was classified as uncertain significance.

Institute for Clinical Genetics, University Hospital TU Dresden, University Hospital TU Dresden
Classification: Uncertain significance. Last evaluated: 2021-11-03. Review status: criteria provided, single submitter. Criteria: ACMG Guidelines, 2015. Collection method: clinical testing. Allele origin: germline.

GeneDx
Classification: Likely benign. Last evaluated: 2020-11-24. Review status: criteria provided, single submitter. Criteria: GeneDx Variant Classification Process June 2021. Collection method: clinical testing. Allele origin: germline. Affected: yes.
Comment: This variant is associated with the following publications: (PMID: 28717660, 28767289, 26689913, 29021619)

Ambry Genetics
Classification: Likely benign for Hereditary cancer-predisposing syndrome. Last evaluated: 2020-10-26. Review status: criteria provided, single submitter. Criteria: Ambry Variant Classification Scheme 2023. Collection method: clinical testing. Allele origin: germline.

Genetic Services Laboratory, University of Chicago
Classification: Uncertain significance. Last evaluated: 2020-03-04. Review status: criteria provided, single submitter. Criteria: ACMG Guidelines, 2015. Collection method: clinical testing. Allele origin: germline. Affected: no.
Comment: DNA sequence analysis of the FANCC gene demonstrated a sequence change, c.29G>A, in exon 2 that results in an amino acid change, p.Cys10Tyr. This sequence change has been described in the gnomAD database with a frequency of 0.15% in the South Asian sub-population (dbSNP rs143152201). The p.Cys10Tyr change has been reported in individuals with breast cancer, pancreatic cancer, low-grade glioma, and acute myeloid leukemia (PMID: 26689913; Lu 2015, Cabanillas 2017). The p.Cys10Tyr change affects a poorly conserved amino acid residue located in a domain of the FANCC protein that is known to be functional. In-silico pathogenicity prediction tools (SIFT, PolyPhen2, Align GVGD, REVEL) provide contradictory results for the p.Cys10Tyr substitution. Due to these contrasting evidences and the lack of functional studies, the clinical significance of the p.Cys10Tyr change remains unknown at this time.

Illumina Laboratory Services, Illumina
Classification: Uncertain significance for Fanconi anemia complementation group C. Last evaluated: 2018-01-12. Review status: criteria provided, single submitter. Criteria: ICSL Variant Classification Criteria 13 December 2019. Collection method: clinical testing. Allele origin: germline.

Eurofins Ntd Llc (ga)
Classification: Uncertain significance. Last evaluated: 2016-08-17. Review status: criteria provided, single submitter. Criteria: EGL Classification Definitions 2015. Collection method: clinical testing. Allele origin: germline. Observed: 1 variant allele, 1 heterozygote.

Department of Pathology and Laboratory Medicine, Sinai Health System
Classification: Uncertain significance for Malignant tumor of breast. Review status: no assertion criteria provided. Collection method: clinical testing. Allele origin: unknown. Affected: yes. Study: The Canadian Open Genetics Repository (COGR). Not counted in ClinVar's aggregate classification.
Comment: The FANCC p.Cys10Tyr variant was identified in 1 of 72 proband chromosomes (frequency: 0.01) from individuals with a personal and/or family history of cancer (Cabanillas 2017). The variant was also identified in dbSNP (ID: rs143152201) as "With Uncertain significance allele", ClinVar (classified as uncertain significance by Invitae, GeneDx and three other submitters), and in LOVD 3.0. The variant was identified in control databases in 129 of 276522 chromosomes at a frequency of 0.0005 (Genome Aggregation Database Feb 27, 2017). The variant was observed in the following populations: Other in 4 of 6454 chromosomes (freq: 0.0006), Latino in 3 of 34402 chromosomes (freq: 0.00009), European in 59 of 126134 chromosomes (freq: 0.0005), Ashkenazi Jewish in 4 of 10132 chromosomes (freq: 0.0004), Finnish in 13 of 25776 chromosomes (freq: 0.0005), and South Asian in 46 of 30778 chromosomes (freq: 0.002), while the variant was not observed in the African or East Asian populations. The p.Cys10 residue is not conserved in mammals and computational analyses (PolyPhen-2, SIFT, AlignGVGD, BLOSUM, MutationTaster) provide inconsistent predictions regarding the impact to the protein; this information is not very predictive of pathogenicity. The variant occurs outside of the splicing consensus sequence and in silico or computational prediction software programs (SpliceSiteFinder, MaxEntScan, NNSPLICE, GeneSplicer) do not predict a difference in splicing. In summary, based on the above information, the clinical significance of this variant cannot be determined with certainty at this time. This variant is classified as a variant of uncertain significance.

Literature cited by the submitters: PubMed 34326862 (cited by Quest Diagnostics Nichols Institute San Juan Capistrano and Women's Health and Genetics/Laboratory Corporation of America, LabCorp); PubMed 33471991 (cited by Quest Diagnostics Nichols Institute San Juan Capistrano and Women's Health and Genetics/Laboratory Corporation of America, LabCorp); PubMed 26689913 (cited by 3 submitters); PubMed 28717660 (cited by Quest Diagnostics Nichols Institute San Juan Capistrano); PubMed 32659497 (cited by Quest Diagnostics Nichols Institute San Juan Capistrano and Ambry Genetics); PubMed 28767289 (cited by Quest Diagnostics Nichols Institute San Juan Capistrano and Women's Health and Genetics/Laboratory Corporation of America, LabCorp); PubMed 29641532 (cited by Ambry Genetics).